The following is an entry in ClinVar:

NM_024301.5(FKRP):c.295G>A (p.Val99Met)

Gene: FKRP (fukutin related protein; plus strand). Cytogenetic location: 19q13.32.
Variant type: single nucleotide variant.
Coding change: c.295G>A on transcript NM_024301.5 (MANE Select); coding-DNA position 295, G replaced by A.
Protein change: p.Val99Met; replaces valine 99 with methionine.
Molecular consequence: missense variant.
Genome position (GRCh38, 1-based): chr19:46,755,745, G>A. VCF-style: chr19-46755745-G-A. GRCh37 (hg19) VCF-style: chr19-47259002-G-A.
Other names: p.Val99Met; c.295G>A, p.Val99Met (NM_001039885.3); short protein forms V99M.
Identifiers: ClinVar variation 459233 (VCV000459233.13), dbSNP rs776733780, ClinGen allele CA9532139.

ClinVar aggregate classification (germline): Uncertain significance. Review status: criteria provided, multiple submitters, no conflicts (2 of 4 stars). 6 submissions from 6 submitters: Uncertain significance (5). 1 of the submissions does not count toward it. Last evaluated 2025-04-24.

Conditions:
Cardiovascular phenotype. Identifiers: MedGen CN230736.
Walker-Warburg congenital muscular dystrophy. Also called: Muscular dystrophy-dystroglycanopathy, type A; Walker-Warburg syndrome. Identifiers: Orphanet 899, MedGen C0265221, MONDO:0000171.
Autosomal recessive limb-girdle muscular dystrophy type 2I. Also called: MUSCULAR DYSTROPHY-DYSTROGLYCANOPATHY (LIMB-GIRDLE), TYPE C, 5; MUSCULAR DYSTROPHY, LIMB-GIRDLE, TYPE 2I; MUSCULAR DYSTROPHY-DYSTROGLYCANOPATHY, LIMB-GIRDLE, FRKP-RELATED. Identifiers: Orphanet 34515, MedGen C1846672, MONDO:0011787, OMIM 607155.

Allele frequency attached by ClinVar (database versions not stated): gnomAD exomes 0.00002; TOPMed 0.00003; ExAC 0.00004; gnomAD 0.00005.
gnomAD v4.1: 154 of 1,557,022 alleles (0.0099%); highest among the groups gnomAD compares: Non-Finnish European, 0.012%; no homozygotes.

Submissions (6):

Revvity Omics, Revvity
Classification: Uncertain significance. Last evaluated: 2025-04-24. Review status: criteria provided, single submitter. Criteria: ACMG Guidelines, 2015. Collection method: clinical testing. Allele origin: germline.

GeneDx
Classification: Uncertain significance. Last evaluated: 2024-12-05. Review status: criteria provided, single submitter. Criteria: GeneDx Variant Classification Process June 2021. Collection method: clinical testing. Allele origin: germline. Affected: yes.
Comment: Not observed at significant frequency in large population cohorts (gnomAD); Missense variants in this gene are a common cause of disease and they are underrepresented in the general population; In silico analysis indicates that this missense variant does not alter protein structure/function; Has not been previously published as pathogenic or benign to our knowledge; This variant is associated with the following publications: (PMID: 27439679)

Labcorp Genetics (formerly Invitae), Labcorp
Classification: Uncertain significance for Walker-Warburg congenital muscular dystrophy. Last evaluated: 2024-11-16. Review status: criteria provided, single submitter. Criteria: Invitae Variant Classification Sherloc (09022015). Collection method: clinical testing. Allele origin: germline.
Comment: This sequence change replaces valine, which is neutral and non-polar, with methionine, which is neutral and non-polar, at codon 99 of the FKRP protein (p.Val99Met). The frequency data for this variant in the population databases is considered unreliable, as metrics indicate poor data quality at this position in the gnomAD database. This variant has not been reported in the literature in individuals affected with FKRP-related conditions. ClinVar contains an entry for this variant (Variation ID: 459233). Invitae Evidence Modeling of protein sequence and biophysical properties (such as structural, functional, and spatial information, amino acid conservation, physicochemical variation, residue mobility, and thermodynamic stability) indicates that this missense variant is expected to disrupt FKRP protein function with a positive predictive value of 80%. In summary, the available evidence is currently insufficient to determine the role of this variant in disease. Therefore, it has been classified as a Variant of Uncertain Significance.

Ambry Genetics
Classification: Uncertain significance for Cardiovascular phenotype. Last evaluated: 2024-05-21. Review status: criteria provided, single submitter. Criteria: Ambry Variant Classification Scheme 2023. Collection method: clinical testing. Allele origin: germline.
Comment: The p.V99M variant (also known as c.295G>A), located in coding exon 1 of the FKRP gene, results from a G to A substitution at nucleotide position 295. The valine at codon 99 is replaced by methionine, an amino acid with highly similar properties. This amino acid position is well conserved in available vertebrate species. In addition, the in silico prediction for this alteration is inconclusive. Since supporting evidence is limited at this time, the clinical significance of this alteration remains unclear.

Mayo Clinic Laboratories, Mayo Clinic
Classification: Uncertain significance. Last evaluated: 2024-01-09. Review status: criteria provided, single submitter. Criteria: ACMG Guidelines, 2015. Collection method: clinical testing. Allele origin: germline. Observed: 1 variant allele.
Comment: PM2_moderate

Natera, Inc.
Classification: Uncertain significance for Limb-girdle muscular dystrophy type 2I. Last evaluated: 2019-10-28. Review status: no assertion criteria provided. Collection method: clinical testing. Allele origin: germline. Not counted in ClinVar's aggregate classification.